The following is an entry in ClinVar:

ClinVar aggregate classification (germline): Uncertain significance. Review status: criteria provided, multiple submitters, no conflicts (2 of 4 stars). 2 submissions from 2 submitters: Uncertain significance (2). Last evaluated 2025-10-14.

Conditions:
Hereditary cancer-predisposing syndrome. Also called: Tumor predisposition; Neoplastic Syndromes, Hereditary; Hereditary Cancer Syndrome; Hereditary neoplastic syndrome. Identifiers: Orphanet 140162, MedGen C0027672, MeSH D009386, MONDO:0015356.

Submissions (2):

Ambry Genetics
Classification: Uncertain significance for Hereditary cancer-predisposing syndrome. Last evaluated: 2025-10-14. Review status: criteria provided, single submitter. Criteria: Ambry Variant Classification Scheme 2023. Collection method: clinical testing. Allele origin: germline.
Comment: The p.F1513C variant (also known as c.4538T>G), located in coding exon 35 of the POLE gene, results from a T to G substitution at nucleotide position 4538. The phenylalanine at codon 1513 is replaced by cysteine, an amino acid with highly dissimilar properties. This amino acid position is conserved. In addition, the in silico prediction for this alteration is inconclusive. Based on the available evidence, the clinical significance of this variant remains unclear.

Labcorp Genetics (formerly Invitae), Labcorp
Classification: Uncertain significance. Last evaluated: 2021-08-03. Review status: criteria provided, single submitter. Criteria: Invitae Variant Classification Sherloc (09022015). Collection method: clinical testing. Allele origin: germline.
Comment: In summary, the available evidence is currently insufficient to determine the role of this variant in disease. Therefore, it has been classified as a Variant of Uncertain Significance. Algorithms developed to predict the effect of missense changes on protein structure and function (SIFT, PolyPhen-2, Align-GVGD) all suggest that this variant is likely to be disruptive. This variant has not been reported in the literature in individuals affected with POLE-related conditions. This variant is not present in population databases (ExAC no frequency). This sequence change replaces phenylalanine with cysteine at codon 1513 of the POLE protein (p.Phe1513Cys). The phenylalanine residue is highly conserved and there is a large physicochemical difference between phenylalanine and cysteine.

NM_006231.4(POLE):c.4538T>G (p.Phe1513Cys)

Gene: POLE (DNA polymerase epsilon, catalytic subunit; minus strand). Cytogenetic location: 12q24.33.
Variant type: single nucleotide variant.
Coding change: c.4538T>G on transcript NM_006231.4 (MANE Select); coding-DNA position 4538, T replaced by G.
Protein change: p.Phe1513Cys; replaces phenylalanine 1513 with cysteine.
Molecular consequence: missense variant.
Genome position (GRCh38, 1-based): chr12:132,643,237, A>C on the plus strand (T>G on the coding strand, the complement: POLE is on the minus strand). VCF-style: chr12-132643237-A-C. GRCh37 (hg19) VCF-style: chr12-133219823-A-C.
Other names: c.4538T>G (NM_006231.2); short protein forms F1513C.
Identifiers: ClinVar variation 1385467 (VCV001385467.7), dbSNP rs2138546062, ClinGen allele CA387380327.
Genomic context (GRCh38, chr12:132,643,237, plus strand): 5'-AAACCCTGCCCCAGCCAATGTGCTGCCATGGAGGGCCCAGGACTCACAGTGTCCAGCACA[A>C]AGACGGATGCCCTGCGCTGTGAGGGGATGAAGATCCCGAAGAGCGCTTTGTGGGCCTGTG-3'
Protein context (NP_006222.2, residues 1503-1523): FIPSQRRASV[Phe1513Cys]VLDTVRSNQM